The following is an entry in ClinVar:

ClinVar aggregate classification (germline): Conflicting classifications of pathogenicity. Review status: criteria provided, conflicting classifications (1 of 4 stars). 4 submissions from 4 submitters: Uncertain significance (2); Likely benign (1). 1 of the submissions does not count toward it. Last evaluated 2025-01-19.

Conditions:
NEFH-related disorder. Also called: NEFH-related condition.

Allele frequency attached by ClinVar (database versions not stated): TOPMed 0.00006.
gnomAD v4.1: 81 of 1,613,674 alleles (0.005%); highest among the groups gnomAD compares: Middle Eastern, 0.12%; no homozygotes.

Submissions (4):

Labcorp Genetics (formerly Invitae), Labcorp
Classification: Uncertain significance. Last evaluated: 2025-01-19. Review status: criteria provided, single submitter. Criteria: Invitae Variant Classification Sherloc (09022015). Collection method: clinical testing. Allele origin: germline.
Comment: This sequence change replaces arginine, which is basic and polar, with cysteine, which is neutral and slightly polar, at codon 352 of the NEFH protein (p.Arg352Cys). This variant is present in population databases (rs149955255, gnomAD 0.008%). This variant has not been reported in the literature in individuals affected with NEFH-related conditions. ClinVar contains an entry for this variant (Variation ID: 1013206). Invitae Evidence Modeling of protein sequence and biophysical properties (such as structural, functional, and spatial information, amino acid conservation, physicochemical variation, residue mobility, and thermodynamic stability) indicates that this missense variant is not expected to disrupt NEFH protein function with a negative predictive value of 95%. In summary, the available evidence is currently insufficient to determine the role of this variant in disease. Therefore, it has been classified as a Variant of Uncertain Significance.

GeneDx
Classification: Uncertain significance. Last evaluated: 2023-11-10. Review status: criteria provided, single submitter. Criteria: GeneDx Variant Classification Process June 2021. Collection method: clinical testing. Allele origin: germline. Affected: yes.
Comment: In silico analysis supports that this missense variant has a deleterious effect on protein structure/function; Has not been previously published as pathogenic or benign to our knowledge

CeGaT Center for Human Genetics Tuebingen
Classification: Likely benign. Last evaluated: 2020-12-01. Review status: criteria provided, single submitter. Criteria: CeGaT Center For Human Genetics Tuebingen Variant Classification Criteria Version 2. Collection method: clinical testing. Allele origin: germline. Affected: yes. Observed: 1 variant allele.

PreventionGenetics, part of Exact Sciences
Classification: Uncertain significance for NEFH-related condition. Last evaluated: 2024-03-18. Review status: no assertion criteria provided. Collection method: clinical testing. Allele origin: germline. Not counted in ClinVar's aggregate classification.
Comment: The NEFH c.1054C>T variant is predicted to result in the amino acid substitution p.Arg352Cys. To our knowledge, this variant has not been reported in the literature. This variant is reported in 0.0080% of alleles in individuals of African descent in gnomAD. A different missense change at the same amino acid position, c.1054C>A (p.Arg352Ser), has been reported in a patient with ALS but was interpreted as uncertain (Gromicho et al. 2020. PubMed ID: 32638105). At this time, the clinical significance of this variant is uncertain due to the absence of conclusive functional and genetic evidence.

NM_021076.4(NEFH):c.1054C>T (p.Arg352Cys)

Gene: NEFH (neurofilament heavy chain; plus strand). Cytogenetic location: 22q12.2.
Variant type: single nucleotide variant.
Coding change: c.1054C>T on transcript NM_021076.4 (MANE Select); coding-DNA position 1054, C replaced by T.
Protein change: p.Arg352Cys; replaces arginine 352 with cysteine.
Molecular consequence: missense variant.
Genome position (GRCh38, 1-based): chr22:29,483,545, C>T. VCF-style: chr22-29483545-C-T. GRCh37 (hg19) VCF-style: chr22-29879534-C-T.
Other names: c.1054C>T (NM_021076.3); short protein forms R352C.
Identifiers: ClinVar variation 1013206 (VCV001013206.42), dbSNP rs149955255, ClinGen allele CA10174097.
Genomic context (GRCh38, chr22:29,483,545, plus strand): 5'-CTGGAGGCACTGAAAAGCACCAAGGACTCACTGGAGAGGCAGCGCTCTGAGCTGGAGGAC[C>T]GTCATCAGGCCGACATTGCCTCCTACCAGGTGGGCAGGGGCAAGGCAGACAGCCAGACTG-3'
Protein context (NP_066554.2, residues 342-362): LERQRSELED[Arg352Cys]HQADIASYQE